The following is an entry in ClinVar:

NM_001165963.4(SCN1A):c.1158T>G (p.Asn386Lys)

Gene: SCN1A (sodium voltage-gated channel alpha subunit 1; minus strand). Cytogenetic location: 2q24.3.
Variant type: single nucleotide variant.
Coding change: c.1158T>G on transcript NM_001165963.4 (MANE Select); coding-DNA position 1158, T replaced by G.
Protein change: p.Asn386Lys; replaces asparagine 386 with lysine.
Molecular consequence: missense variant. On other transcripts: 5 prime UTR variant (1), non-coding transcript variant (1).
Genome position (GRCh38, 1-based): chr2:166,047,639, A>C on the plus strand (T>G on the coding strand, the complement: SCN1A is on the minus strand). VCF-style: chr2-166047639-A-C. GRCh37 (hg19) VCF-style: chr2-166904149-A-C.
Other names: c.1158T>G, p.Asn386Lys (NM_001165964.3, NM_001202435.3, NM_001353948.2 and 10 more transcripts); c.-1268T>G (NM_001353961.2); short protein forms N386K.
Identifiers: ClinVar variation 3634057 (VCV003634057.2).

ClinVar aggregate classification (germline): Pathogenic (1 of 4 stars; one submission).

Conditions:
Early-infantile DEE. Also called: Early infantile epileptic encephalopathy; Ohtahara syndrome; Early infantile epileptic encephalopathy with suppression bursts. Identifiers: Orphanet 1934, MedGen C0393706, MONDO:0800491.

Submission:

Labcorp Genetics (formerly Invitae), Labcorp
Classification: Pathogenic for Early-infantile DEE. Last evaluated: 2024-04-18. Review status: criteria provided, single submitter. Criteria: Invitae Variant Classification Sherloc (09022015). Collection method: clinical testing. Allele origin: germline.
Comment: This sequence change replaces asparagine, which is neutral and polar, with lysine, which is basic and polar, at codon 386 of the SCN1A protein (p.Asn386Lys). This variant is not present in population databases (gnomAD no frequency). This missense change has been observed in individual(s) with clinical features of SCN1A-related conditions (Invitae). In at least one individual the variant was observed to be de novo. Advanced modeling of protein sequence and biophysical properties (such as structural, functional, and spatial information, amino acid conservation, physicochemical variation, residue mobility, and thermodynamic stability) performed at Invitae indicates that this missense variant is expected to disrupt SCN1A protein function with a positive predictive value of 95%. For these reasons, this variant has been classified as Pathogenic.